The following is an entry in ClinVar:

NM_017662.5(TRPM6):c.733C>T (p.His245Tyr)

Gene: TRPM6 (transient receptor potential cation channel subfamily M member 6; minus strand). Cytogenetic location: 9q21.13.
Variant type: single nucleotide variant.
Coding change: c.733C>T on transcript NM_017662.5 (MANE Select); coding-DNA position 733, C replaced by T.
Protein change: p.His245Tyr; replaces histidine 245 with tyrosine.
Molecular consequence: missense variant.
Genome position (GRCh38, 1-based): chr9:74,827,886, G>A on the plus strand (C>T on the coding strand, the complement: TRPM6 is on the minus strand). VCF-style: chr9-74827886-G-A. GRCh37 (hg19) VCF-style: chr9-77442802-G-A.
Other names: c.733C>T (NM_017662.4); c.718C>T, p.His240Tyr (NM_001177310.2, NM_001177311.2); short protein forms H245Y, H240Y.
Identifiers: ClinVar variation 2081013 (VCV002081013.3), dbSNP rs373264070, ClinGen allele CA5085062.

ClinVar aggregate classification (germline): Uncertain significance. Review status: criteria provided, multiple submitters, no conflicts (2 of 4 stars). 3 submissions from 3 submitters: Uncertain significance (3). Last evaluated 2024-01-31.

Conditions:
Intestinal hypomagnesemia 1. Also called: HYPOMAGNESEMIA, INTESTINAL, WITH SECONDARY HYPOCALCEMIA; HYPOMAGNESEMIC TETANY. Identifiers: Orphanet 30924, MedGen C1865974, MONDO:0011176, OMIM 602014.
Inborn genetic diseases. Identifiers: MedGen C0950123, MeSH D030342.

Allele frequency attached by ClinVar (database versions not stated): TOPMed below 0.00001; gnomAD 0.00001; gnomAD exomes 0.00001; ExAC 0.00002; ESP Exome Variant Server 0.00008; 1000 Genomes Project 30x 0.00016; 1000 Genomes Project 0.00020.
gnomAD v4.1: 19 of 1,614,102 alleles (0.0012%); highest among the groups gnomAD compares: East Asian, 0.0067%; no homozygotes.

Submissions (3):

Fulgent Genetics
Classification: Uncertain significance for Intestinal hypomagnesemia 1. Last evaluated: 2024-01-31. Review status: criteria provided, single submitter. Criteria: ACMG Guidelines, 2015. Collection method: clinical testing. Allele origin: germline.

Ambry Genetics
Classification: Uncertain significance for Inborn genetic diseases. Last evaluated: 2024-01-29. Review status: criteria provided, single submitter. Criteria: Ambry Variant Classification Scheme 2023. Collection method: clinical testing. Allele origin: germline.

Labcorp Genetics (formerly Invitae), Labcorp
Classification: Uncertain significance. Last evaluated: 2022-07-19. Review status: criteria provided, single submitter. Criteria: Invitae Variant Classification Sherloc (09022015). Collection method: clinical testing. Allele origin: germline.
Comment: This sequence change replaces histidine, which is basic and polar, with tyrosine, which is neutral and polar, at codon 245 of the TRPM6 protein (p.His245Tyr). This variant is present in population databases (rs373264070, gnomAD 0.02%). This variant has not been reported in the literature in individuals affected with TRPM6-related conditions. Algorithms developed to predict the effect of missense changes on protein structure and function (SIFT, PolyPhen-2, Align-GVGD) all suggest that this variant is likely to be disruptive. In summary, the available evidence is currently insufficient to determine the role of this variant in disease. Therefore, it has been classified as a Variant of Uncertain Significance.